The following is an entry in ClinVar:

NM_000036.3(AMPD1):c.1166A>G (p.Asp389Gly)

Gene: AMPD1 (adenosine monophosphate deaminase 1; minus strand). Cytogenetic location: 1p13.2.
Variant type: single nucleotide variant.
Coding change: c.1166A>G on transcript NM_000036.3 (MANE Select); coding-DNA position 1166, A replaced by G.
Protein change: p.Asp389Gly; replaces aspartic acid 389 with glycine.
Molecular consequence: missense variant.
Genome position (GRCh38, 1-based): chr1:114,677,968, T>C on the plus strand (A>G on the coding strand, the complement: AMPD1 is on the minus strand). VCF-style: chr1-114677968-T-C. GRCh37 (hg19) VCF-style: chr1-115220589-T-C.
Other names: c.1154A>G, p.Asp385Gly (NM_001172626.2); short protein forms D385G, D389G.
Identifiers: ClinVar variation 3670373 (VCV003670373.2).

ClinVar aggregate classification (germline): Uncertain significance (1 of 4 stars; one submission).

Conditions:
Muscle AMP deaminase deficiency (MMDD). Also called: Myoadenylate deaminase deficiency, myopathy due to; Adenosine monophosphate deaminase 1 deficiency; AMP deaminase 1 deficiency; Adenosine Monophosphate Deaminase 1; ADENOSINE MONOPHOSPHATE DEAMINASE-1 DEFICIENCY, MYOPATHY DUE TO; AMPD1 DEFICIENCY. Identifiers: Orphanet 45, MedGen C3714933, MONDO:0014220, OMIM 615511.

Submission:

Labcorp Genetics (formerly Invitae), Labcorp
Classification: Uncertain significance for Muscle AMP deaminase deficiency. Last evaluated: 2024-12-06. Review status: criteria provided, single submitter. Criteria: Invitae Variant Classification Sherloc (09022015). Collection method: clinical testing. Allele origin: germline.
Comment: This sequence change replaces aspartic acid, which is acidic and polar, with glycine, which is neutral and non-polar, at codon 422 of the AMPD1 protein (p.Asp422Gly). This variant is not present in population databases (gnomAD no frequency). This variant has not been reported in the literature in individuals affected with AMPD1-related conditions. Invitae Evidence Modeling of protein sequence and biophysical properties (such as structural, functional, and spatial information, amino acid conservation, physicochemical variation, residue mobility, and thermodynamic stability) indicates that this missense variant is not expected to disrupt AMPD1 protein function with a negative predictive value of 80%. In summary, the available evidence is currently insufficient to determine the role of this variant in disease. Therefore, it has been classified as a Variant of Uncertain Significance.